The following is an entry in ClinVar:

ClinVar aggregate classification (germline): Uncertain significance (1 of 4 stars; one submission).

Conditions:
Hypertrophic cardiomyopathy. Also called: HYPERTROPHIC MYOCARDIOPATHY. Identifiers: Orphanet 217569, MedGen C0007194, MeSH D002312, MONDO:0005045, HP:0001639.

Submission:

Labcorp Genetics (formerly Invitae), Labcorp
Classification: Uncertain significance for Hypertrophic cardiomyopathy. Last evaluated: 2025-04-07. Review status: criteria provided, single submitter. Criteria: Invitae Variant Classification Sherloc (09022015). Collection method: clinical testing. Allele origin: germline.
Comment: This sequence change falls in intron 33 of the MYH7 gene. It does not directly change the encoded amino acid sequence of the MYH7 protein. This variant is not present in population databases (gnomAD no frequency). This variant has not been reported in the literature in individuals affected with MYH7-related conditions. Algorithms developed to predict the effect of sequence changes on RNA splicing suggest that this variant may disrupt the consensus splice site. In summary, the available evidence is currently insufficient to determine the role of this variant in disease. Therefore, it has been classified as a Variant of Uncertain Significance.

NM_000257.4(MYH7):c.4645-12A>G

Genes: MHRT (myosin heavy chain associated RNA transcript; plus strand), MYH7 (myosin heavy chain 7; minus strand), LOC126861897 (BRD4-independent group 4 enhancer GRCh37_chr14:23884455-23885654; plus strand). Cytogenetic location: 14q11.2.
Variant type: single nucleotide variant.
Coding change: c.4645-12A>G on transcript NM_000257.4 (MANE Select); 12 bases into the intron before coding-DNA position 4645, A replaced by G.
Molecular consequence: intron variant.
Genome position (GRCh38, 1-based): chr14:23,416,324, T>C on the plus strand (A>G on the coding strand, the complement: MYH7 is on the minus strand). VCF-style: chr14-23416324-T-C. GRCh37 (hg19) VCF-style: chr14-23885533-T-C.
Other names: c.4645-12A>G (NM_001407004.1).
Identifiers: ClinVar variation 4749659 (VCV004749659.1).